The following is an entry in ClinVar:

ClinVar aggregate classification (germline): Uncertain significance. Review status: criteria provided, multiple submitters, no conflicts (2 of 4 stars). 3 submissions from 3 submitters: Uncertain significance (3). Last evaluated 2025-01-13.

Conditions:
Hermansky-Pudlak syndrome 2 (HPS2). Also called: Platelet defects and oculocutaneous albinism. Identifiers: Orphanet 183678, Orphanet 79430, MedGen C1842362, MONDO:0011997, OMIM 608233.

Submissions (3):

Women's Health and Genetics/Laboratory Corporation of America, LabCorp
Classification: Uncertain significance. Last evaluated: 2025-01-13. Review status: criteria provided, single submitter. Criteria: LabCorp Variant Classification Summary - May 2015. Collection method: clinical testing. Allele origin: germline.
Comment: Variant summary: AP3B1 c.787G>A (p.Gly263Ser) results in a non-conservative amino acid change in the encoded protein sequence. Three of five in-silico tools predict a benign effect of the variant on protein function. The variant was absent in 247928 control chromosomes. The available data on variant occurrences in the general population are insufficient to allow any conclusion about variant significance. To our knowledge, no occurrence of c.787G>A in individuals affected with Hermansky-Pudlak Syndrome and no experimental evidence demonstrating its impact on protein function have been reported. ClinVar contains an entry for this variant (Variation ID: 1515199). Based on the evidence outlined above, the variant was classified as uncertain significance.

Mayo Clinic Laboratories, Mayo Clinic
Classification: Uncertain significance. Last evaluated: 2024-01-11. Review status: criteria provided, single submitter. Criteria: ACMG Guidelines, 2015. Collection method: clinical testing. Allele origin: germline. Observed: 1 variant allele.
Comment: BP4, PM2_moderate

Labcorp Genetics (formerly Invitae), Labcorp
Classification: Uncertain significance for Hermansky-Pudlak syndrome 2. Last evaluated: 2023-10-13. Review status: criteria provided, single submitter. Criteria: Invitae Variant Classification Sherloc (09022015). Collection method: clinical testing. Allele origin: germline.
Comment: This sequence change replaces glycine, which is neutral and non-polar, with serine, which is neutral and polar, at codon 263 of the AP3B1 protein (p.Gly263Ser). This variant is not present in population databases (gnomAD no frequency). This variant has not been reported in the literature in individuals affected with AP3B1-related conditions. ClinVar contains an entry for this variant (Variation ID: 1515199). An algorithm developed to predict the effect of missense changes on protein structure and function (PolyPhen-2) suggests that this variant is likely to be tolerated. In summary, the available evidence is currently insufficient to determine the role of this variant in disease. Therefore, it has been classified as a Variant of Uncertain Significance.

NM_003664.5(AP3B1):c.787G>A (p.Gly263Ser)

Gene: AP3B1 (adaptor related protein complex 3 subunit beta 1; minus strand). Cytogenetic location: 5q14.1.
Variant type: single nucleotide variant.
Coding change: c.787G>A on transcript NM_003664.5 (MANE Select); coding-DNA position 787, G replaced by A.
Protein change: p.Gly263Ser; replaces glycine 263 with serine.
Molecular consequence: missense variant.
Genome position (GRCh38, 1-based): chr5:78,181,662, C>T on the plus strand (G>A on the coding strand, the complement: AP3B1 is on the minus strand). VCF-style: chr5-78181662-C-T. GRCh37 (hg19) VCF-style: chr5-77477486-C-T.
Other names: p.Gly263Ser; c.640G>A, p.Gly214Ser (NM_001271769.2); c.787G>A (NM_003664.4); short protein forms G214S, G263S.
Identifiers: ClinVar variation 1515199 (VCV001515199.9), dbSNP rs1044368703, ClinGen allele CA360190575.
Genomic context (GRCh38, chr5:78,181,662, plus strand): 5'-TTTCCTTCTGATCATCATCAGATTCGTAGAAATTCTTTCCATTGTCTTCTAATTCATCAC[C>T]CTACAATGAAAGAAATCCAACCCAAGATTACTTTAGACCTTGAGCAATCTGCATATTATA-3'
Protein context (NP_003655.3, residues 253-273): RTQFVSPWKE[Gly263Ser]DELEDNGKNF